The following is an entry in ClinVar:

NM_000081.4(LYST):c.8C>A (p.Thr3Asn)

Gene: LYST (lysosomal trafficking regulator; minus strand). Cytogenetic location: 1q42.3.
Variant type: single nucleotide variant.
Coding change: c.8C>A on transcript NM_000081.4 (MANE Select); coding-DNA position 8, C replaced by A.
Protein change: p.Thr3Asn; replaces threonine 3 with asparagine.
Molecular consequence: missense variant. On other transcripts: non-coding transcript variant (1).
Genome position (GRCh38, 1-based): chr1:235,830,410, G>T on the plus strand (C>A on the coding strand, the complement: LYST is on the minus strand). VCF-style: chr1-235830410-G-T. GRCh37 (hg19) VCF-style: chr1-235993710-G-T.
Other names: c.8C>A, p.Thr3Asn (NM_001301365.1); short protein forms T3N.
Identifiers: ClinVar variation 2074083 (VCV002074083.3), dbSNP rs548589202, ClinGen allele CA344969506.
Genomic context (GRCh38, chr1:235,830,410, plus strand): 5'-ACTGCATTGCAAAGCCGGTTGACATCGGTCAGAAATTCACGTGCCAGTGAGTTACTGTCG[G>T]TGCTCATGACCGAGCTATAAAATAAGTATTACAAAAAAAAAAGATTAGGAAAACAAATAC-3'
Protein context (NP_000072.2, residues 1-13): MS[Thr3Asn]DSNSLAREFL

ClinVar aggregate classification (germline): Uncertain significance. Review status: criteria provided, multiple submitters, no conflicts (2 of 4 stars). 2 submissions from 2 submitters: Uncertain significance (2). Last evaluated 2024-03-13.

Conditions:
Chédiak-Higashi syndrome (CHS). Also called: Chediak-Higashi Syndrome. Identifiers: Orphanet 167, MedGen C0007965, MONDO:0008963, OMIM 214500.

Allele frequency attached by ClinVar (database versions not stated): gnomAD exomes below 0.00001.
gnomAD v4.1: 6 of 1,611,700 alleles (0.00037%); highest among the groups gnomAD compares: Non-Finnish European, 0.00051%; no homozygotes.

Submissions (2):

Women's Health and Genetics/Laboratory Corporation of America, LabCorp
Classification: Uncertain significance. Last evaluated: 2024-03-13. Review status: criteria provided, single submitter. Criteria: LabCorp Variant Classification Summary - May 2015. Collection method: clinical testing. Allele origin: germline.
Comment: Variant summary: LYST c.8C>A (p.Thr3Asn) results in a non-conservative amino acid change in the encoded protein sequence. Three of four in-silico tools predict a benign effect of the variant on protein function. The variant was absent in 249578 control chromosomes. The available data on variant occurrences in the general population are insufficient to allow any conclusion about variant significance. To our knowledge, no occurrence of c.8C>A in individuals affected with Chediak-Higashi Syndrome and no experimental evidence demonstrating its impact on protein function have been reported. ClinVar contains an entry for this variant (Variation ID: 2074083). Based on the evidence outlined above, the variant was classified as uncertain significance.

Labcorp Genetics (formerly Invitae), Labcorp
Classification: Uncertain significance for Chédiak-Higashi syndrome. Last evaluated: 2022-09-13. Review status: criteria provided, single submitter. Criteria: Invitae Variant Classification Sherloc (09022015). Collection method: clinical testing. Allele origin: germline.
Comment: This sequence change replaces threonine, which is neutral and polar, with asparagine, which is neutral and polar, at codon 3 of the LYST protein (p.Thr3Asn). This variant is present in population databases (no rsID available, gnomAD 0.007%). This variant has not been reported in the literature in individuals affected with LYST-related conditions. Advanced modeling of protein sequence and biophysical properties (such as structural, functional, and spatial information, amino acid conservation, physicochemical variation, residue mobility, and thermodynamic stability) performed at Invitae indicates that this missense variant is not expected to disrupt LYST protein function. In summary, the available evidence is currently insufficient to determine the role of this variant in disease. Therefore, it has been classified as a Variant of Uncertain Significance.